The following is an entry in ClinVar:

NM_003803.4(MYOM1):c.120C>G (p.Thr40=)

Gene: MYOM1 (myomesin 1; minus strand). Cytogenetic location: 18p11.31.
Variant type: single nucleotide variant.
Coding change: c.120C>G on transcript NM_003803.4 (MANE Select); coding-DNA position 120, C replaced by G.
Protein change: p.Thr40=; no amino-acid change (threonine 40 retained).
Molecular consequence: synonymous variant.
Genome position (GRCh38, 1-based): chr18:3,215,104, G>C on the plus strand (C>G on the coding strand, the complement: MYOM1 is on the minus strand). VCF-style: chr18-3215104-G-C. GRCh37 (hg19) VCF-style: chr18-3215102-G-C.
Other names: c.120C>G, p.Thr40= (NM_019856.2).
Identifiers: ClinVar variation 227689 (VCV000227689.10), dbSNP rs876657535, ClinGen allele CA10577059.
Genomic context (GRCh38, chr18:3,215,104, plus strand): 5'-GGCCTCGGACTCCCGGCGGTGCGCGGCGGAGGAGCGGCTGCTGTAGGCCGTGGAGCCCTG[G>C]GTGTAGACGGCGGAGCGTTTCTTCTCCCGCTGGTAGTGACTCACGGTGCTGCGCACGTCC-3'
Protein context (NP_003794.3, residues 30-50): QREKKRSAVY[Thr40=]QGSTAYSSRS

ClinVar aggregate classification (germline): Likely benign. Review status: criteria provided, multiple submitters, no conflicts (2 of 4 stars). 3 submissions from 3 submitters: Likely benign (3). Last evaluated 2025-01-14.

Conditions:
Hypertrophic cardiomyopathy. Also called: HYPERTROPHIC MYOCARDIOPATHY. Identifiers: Orphanet 217569, MedGen C0007194, MeSH D002312, MONDO:0005045, HP:0001639.

Allele frequency attached by ClinVar (database versions not stated): gnomAD exomes 0.00001; TOPMed 0.00003.
gnomAD v4.1: 14 of 1,613,832 alleles (0.00087%); highest among the groups gnomAD compares: Non-Finnish European, 0.0012%; no homozygotes.

Submissions (3):

Labcorp Genetics (formerly Invitae), Labcorp
Classification: Likely benign for Hypertrophic cardiomyopathy. Last evaluated: 2025-01-14. Review status: criteria provided, single submitter. Criteria: Invitae Variant Classification Sherloc (09022015). Collection method: clinical testing. Allele origin: germline.

Ambry Genetics
Classification: Likely benign. Last evaluated: 2020-01-19. Review status: criteria provided, single submitter. Criteria: Ambry Variant Classification Scheme 2023. Collection method: clinical testing. Allele origin: germline.

Laboratory for Molecular Medicine, Mass General Brigham Personalized Medicine
Classification: Likely benign. Last evaluated: 2015-08-13. Review status: criteria provided, single submitter. Criteria: LMM Criteria. Collection method: clinical testing. Allele origin: germline. Observed: 1 variant allele.
Comment: p.Thr40Thr in exon 2 of MYOM1: This variant is not expected to have clinical sig nificance because it does not alter an amino acid residue and is not located wit hin the splice consensus sequence.